The following is an entry in ClinVar:

NM_004186.5(SEMA3F):c.523C>T (p.Arg175Cys)

Gene: SEMA3F (semaphorin 3F; plus strand). Cytogenetic location: 3p21.31.
Variant type: single nucleotide variant.
Coding change: c.523C>T on transcript NM_004186.5 (MANE Select); coding-DNA position 523, C replaced by T.
Protein change: p.Arg175Cys; replaces arginine 175 with cysteine.
Molecular consequence: missense variant. On other transcripts: intron variant (2).
Genome position (GRCh38, 1-based): chr3:50,175,162, C>T. VCF-style: chr3-50175162-C-T. GRCh37 (hg19) VCF-style: chr3-50212595-C-T.
Other names: c.523C>T (NM_004186.3); c.252+812C>T (NM_001318798.2); c.456+812C>T (NM_001318800.2); short protein forms R175C.
Identifiers: ClinVar variation 3351377 (VCV003351377.3).

ClinVar aggregate classification (germline): Uncertain significance. Review status: criteria provided, multiple submitters, no conflicts (2 of 4 stars). 2 submissions from 2 submitters: Uncertain significance (2). Last evaluated 2026-02-11.

Conditions:
SEMA3F-related disorder. Also called: SEMA3F-related condition.

gnomAD v4.1: 56 of 1,605,698 alleles (0.0035%); highest among the groups gnomAD compares: Non-Finnish European, 0.0042%; no homozygotes.

Submissions (2):

PreventionGenetics, part of Exact Sciences
Classification: Uncertain significance for SEMA3F-related condition. Last evaluated: 2026-02-11. Review status: criteria provided, single submitter. Criteria: ACMG Guidelines, 2015. Collection method: clinical testing. Allele origin: germline.
Comment: The SEMA3F c.523C>T variant is predicted to result in the amino acid substitution p.Arg175Cys. To our knowledge, this variant has not been reported in the literature. This variant is reported in 0.0020% of alleles in individuals of European (Non-Finnish) descent in gnomAD. At this time, the clinical significance of this variant is uncertain due to the absence of conclusive functional and genetic evidence.

Ambry Genetics
Classification: Uncertain significance. Last evaluated: 2025-04-10. Review status: criteria provided, single submitter. Criteria: Ambry Variant Classification Scheme 2023. Collection method: clinical testing. Allele origin: germline.